The following is an entry in ClinVar:

NM_018133.4(MSL2):c.591T>A (p.Tyr197Ter)

Gene: MSL2 (MSL complex subunit 2; minus strand). Cytogenetic location: 3q22.3.
Variant type: single nucleotide variant.
Coding change: c.591T>A on transcript NM_018133.4 (MANE Select); coding-DNA position 591, T replaced by A.
Protein change: p.Tyr197Ter; replaces tyrosine 197 with a stop codon.
Molecular consequence: nonsense.
Genome position (GRCh38, 1-based): chr3:136,152,290, A>T on the plus strand (T>A on the coding strand, the complement: MSL2 is on the minus strand). VCF-style: chr3-136152290-A-T. GRCh37 (hg19) VCF-style: chr3-135871132-A-T.
Other names: c.369T>A, p.Tyr123Ter (NM_001145417.2); short protein forms Y123*, Y197*.
Identifiers: ClinVar variation 4855765 (VCV004855765.1).

ClinVar aggregate classification (germline): Likely pathogenic (1 of 4 stars; one submission).

Conditions:
Karayol-Borroto-Haghshenas neurodevelopmental syndrome. Identifiers: MedGen C5975476, MONDO:0975836, OMIM 620985.

Submission:

3billion
Classification: Likely pathogenic for Karayol-Borroto-Haghshenas neurodevelopmental syndrome. Last evaluated: 2025-12-16. Review status: criteria provided, single submitter. Criteria: ACMG Guidelines, 2015. Collection method: clinical testing. Allele origin: germline. Affected: yes.
Comment: The variant is not observed in the gnomAD v4.1.0 dataset. Predicted Consequence/Location: Stop-gained (nonsense): predicted to result in a loss or disruption of normal protein function through protein truncation. Multiple pathogenic variants are reported in the predicted truncated region. Therefore, this variant is classified as Likely pathogenic according to the recommendation of ACMG/AMP guideline.